The following is an entry in ClinVar:

NM_173628.4(DNAH17):c.1854G>A (p.Glu618=)

Gene: DNAH17 (dynein axonemal heavy chain 17; minus strand). Cytogenetic location: 17q25.3.
Variant type: single nucleotide variant.
Coding change: c.1854G>A on transcript NM_173628.4 (MANE Select); coding-DNA position 1854, G replaced by A.
Protein change: p.Glu618=; no amino-acid change (glutamic acid 618 retained).
Molecular consequence: synonymous variant.
Genome position (GRCh38, 1-based): chr17:78,560,917, C>T on the plus strand (G>A on the coding strand, the complement: DNAH17 is on the minus strand). VCF-style: chr17-78560917-C-T. GRCh37 (hg19) VCF-style: chr17-76556999-C-T.
Identifiers: ClinVar variation 3034824 (VCV003034824.2), dbSNP rs188689442, ClinGen allele CA8804979.

ClinVar aggregate classification (germline): Benign (0 of 4 stars; one submission).

Conditions:
DNAH17-related disorder. Also called: DNAH17-related condition.

Allele frequency attached by ClinVar (database versions not stated): ExAC 0.00019; gnomAD exomes 0.00040; gnomAD 0.00042; 1000 Genomes Project 0.00060; 1000 Genomes Project 30x 0.00062; TOPMed 0.00117.
gnomAD v4.1: 607 of 1,550,170 alleles (0.039%); highest among the groups gnomAD compares: Admixed American, 1.2%; 5 homozygotes.

Submission:

PreventionGenetics, part of Exact Sciences
Classification: Benign for DNAH17-related condition. Last evaluated: 2019-04-08. Review status: no assertion criteria provided. Collection method: clinical testing. Allele origin: germline.
Comment: This variant is classified as benign based on ACMG/AMP sequence variant interpretation guidelines (Richards et al. 2015 PMID: 25741868, with internal and published modifications).